The following is an entry in ClinVar:

ClinVar aggregate classification (germline): Uncertain significance. Review status: criteria provided, multiple submitters, no conflicts (2 of 4 stars). 2 submissions from 2 submitters: Uncertain significance (2). Last evaluated 2025-01-17.

Conditions:
Inborn genetic diseases. Identifiers: MedGen C0950123, MeSH D030342.
Fanconi anemia complementation group G. Also called: FANCG-Related Fanconi Anemia; Fanconi anemia group G. Identifiers: Orphanet 84, MedGen C3469527, MONDO:0013565, OMIM 614082.

gnomAD v4.1: 1 of 1,613,816 alleles (0.000062%); highest among the groups gnomAD compares: Non-Finnish European, 0.000085%; no homozygotes.

Submissions (2):

Ambry Genetics
Classification: Uncertain significance for Inborn genetic diseases. Last evaluated: 2025-01-17. Review status: criteria provided, single submitter. Criteria: Ambry Variant Classification Scheme 2023. Collection method: clinical testing. Allele origin: germline.
Comment: The p.R113W variant (also known as c.337A>T), located in coding exon 4 of the FANCG gene, results from an A to T substitution at nucleotide position 337. The arginine at codon 113 is replaced by tryptophan, an amino acid with dissimilar properties. This amino acid position is conserved. In addition, this alteration is predicted to be tolerated by in silico analysis. Based on the available evidence, the clinical significance of this variant remains unclear.

Fulgent Genetics
Classification: Uncertain significance for Fanconi anemia complementation group G. Last evaluated: 2024-05-03. Review status: criteria provided, single submitter. Criteria: ACMG Guidelines, 2015. Collection method: clinical testing. Allele origin: germline.

NM_004629.2(FANCG):c.337A>T (p.Arg113Trp)

Gene: FANCG (FA complementation group G; minus strand). Cytogenetic location: 9p13.3.
Variant type: single nucleotide variant.
Coding change: c.337A>T on transcript NM_004629.2 (MANE Select); coding-DNA position 337, A replaced by T.
Protein change: p.Arg113Trp; replaces arginine 113 with tryptophan.
Molecular consequence: missense variant.
Genome position (GRCh38, 1-based): chr9:35,078,314, T>A on the plus strand (A>T on the coding strand, the complement: FANCG is on the minus strand). VCF-style: chr9-35078314-T-A. GRCh37 (hg19) VCF-style: chr9-35078311-T-A.
Other names: short protein forms R113W.
Identifiers: ClinVar variation 3597295 (VCV003597295.2).